The following is an entry in ClinVar:

ClinVar aggregate classification (germline): Uncertain significance (1 of 4 stars; one submission).

gnomAD v4.1: 8 of 1,613,012 alleles (0.0005%); highest among the groups gnomAD compares: Non-Finnish European, 0.00059%; no homozygotes.

Submission:

Labcorp Genetics (formerly Invitae), Labcorp
Classification: Uncertain significance. Last evaluated: 2025-06-27. Review status: criteria provided, single submitter. Criteria: Invitae Variant Classification Sherloc (09022015). Collection method: clinical testing. Allele origin: germline.
Comment: This sequence change replaces valine, which is neutral and non-polar, with leucine, which is neutral and non-polar, at codon 767 of the COL7A1 protein (p.Val767Leu). This variant is not present in population databases (gnomAD no frequency). This variant has not been reported in the literature in individuals affected with COL7A1-related conditions. Invitae Evidence Modeling of protein sequence and biophysical properties (such as structural, functional, and spatial information, amino acid conservation, physicochemical variation, residue mobility, and thermodynamic stability) indicates that this missense variant is not expected to disrupt COL7A1 protein function with a negative predictive value of 95%. In summary, the available evidence is currently insufficient to determine the role of this variant in disease. Therefore, it has been classified as a Variant of Uncertain Significance.

NM_000094.4(COL7A1):c.2299G>C (p.Val767Leu)

Gene: COL7A1 (collagen type VII alpha 1 chain; minus strand). Cytogenetic location: 3p21.31.
Variant type: single nucleotide variant.
Coding change: c.2299G>C on transcript NM_000094.4 (MANE Select); coding-DNA position 2299, G replaced by C.
Protein change: p.Val767Leu; replaces valine 767 with leucine.
Molecular consequence: missense variant.
Genome position (GRCh38, 1-based): chr3:48,589,342, C>G on the plus strand (G>C on the coding strand, the complement: COL7A1 is on the minus strand). VCF-style: chr3-48589342-C-G. GRCh37 (hg19) VCF-style: chr3-48626775-C-G.
Other names: short protein forms V767L.
Identifiers: ClinVar variation 4745586 (VCV004745586.1).